The following is an entry in ClinVar:

NM_005592.4(MUSK):c.2021_2022dup (p.Val675fs)

Gene: MUSK (muscle associated receptor tyrosine kinase; plus strand). Cytogenetic location: 9q31.3.
Variant type: Duplication.
Coding change: c.2021_2022dup on transcript NM_005592.4 (MANE Select); coding-DNA positions 2021 to 2022, 2 bases duplicated (CC; older notation c.2021_2022dupCC).
Protein change: p.Val675fs; shifts the reading frame from valine 675.
Molecular consequence: frameshift variant.
Genome position (GRCh38, 1-based): chr9:110,800,399-110,800,400, CC duplicated. VCF-style (leftmost placement, unchanged base first): chr9-110800398-A-ACC. GRCh37 (hg19) VCF-style: chr9-113562678-A-ACC.
Other names: c.1763_1764dup, p.Val589fs (NM_001166280.2); c.1733_1734dup, p.Val579fs (NM_001166281.2); c.761_762dup, p.Val255fs (NM_001369398.1); short protein forms V589fs, V675fs, V255fs, V579fs.
Identifiers: ClinVar variation 2944470 (VCV002944470.3), dbSNP rs2491209605, ClinGen allele CA2691186939.
Genomic context (GRCh38, chr9:110,800,398, plus strand): 5'-CTCTTTGAATACATGGCCTATGGTGACCTCAATGAGTTCCTCCGCAGCATGTCCCCTCAC[A>ACC]CCGTGTGCAGCCTCAGTCACAGTGACTTGTCTATGAGGGCTCAGGTCTCCAGCCCTGGGC-3'

ClinVar aggregate classification (germline): Pathogenic (1 of 4 stars; one submission).

Conditions:
Fetal akinesia deformation sequence 1 (FADS1). Also called: Pena-Shokeir syndrome type I; Fetal akinesia sequence. Identifiers: Orphanet 994, MedGen C1276035, MONDO:0100101, OMIM 208150, HP:0001989.
Congenital myasthenic syndrome 9. Also called: Myasthenic syndrome, congenital, 9, associated with acetylcholine receptor deficiency. Identifiers: Orphanet 590, MedGen C4225368, MONDO:0014587, OMIM 616325.

Allele frequency attached by ClinVar (database versions not stated): gnomAD exomes below 0.00001.

Submission:

Labcorp Genetics (formerly Invitae), Labcorp
Classification: Pathogenic for Congenital myasthenic syndrome 9; Fetal akinesia deformation sequence 1. Last evaluated: 2023-10-12. Review status: criteria provided, single submitter. Criteria: Invitae Variant Classification Sherloc (09022015). Collection method: clinical testing. Allele origin: germline.
Comment: This sequence change creates a premature translational stop signal (p.Val675Profs*12) in the MUSK gene. While this is not anticipated to result in nonsense mediated decay, it is expected to disrupt the last 195 amino acid(s) of the MUSK protein. This variant is not present in population databases (gnomAD no frequency). This variant has not been reported in the literature in individuals affected with MUSK-related conditions. This variant disrupts a region of the MUSK protein in which other variant(s) (p.Leu821Phe) have been determined to be pathogenic (Invitae). This suggests that this is a clinically significant region of the protein, and that variants that disrupt it are likely to be disease-causing. For these reasons, this variant has been classified as Pathogenic.